The following is an entry in ClinVar:

NM_000448.3(RAG1):c.2228del (p.Asn743fs)

Gene: RAG1 (recombination activating 1; plus strand). Cytogenetic location: 11p12.
Variant type: Deletion.
Coding change: c.2228del on transcript NM_000448.3 (MANE Select); coding-DNA position 2228, one base deleted (A; older notation c.2228delA).
Protein change: p.Asn743fs; shifts the reading frame from asparagine 743.
Molecular consequence: frameshift variant.
Genome position (GRCh38, 1-based): chr11:36,575,532, A deleted; the last of 4 consecutive A bases (chr11:36,575,529-36,575,532); deleting any one gives the same sequence. VCF-style (leftmost placement, unchanged base first): chr11-36575528-CA-C. GRCh37 (hg19) VCF-style: chr11-36597078-CA-C.
Other names: c.2228del (NM_000448.2); c.2228delA, p.Asn743Ilefs (NM_000448.2); c.2228del, p.Asn743fs (NM_001377277.1, NM_001377278.1, NM_001377279.1 and 1 more transcripts); short protein forms N743fs.
Identifiers: ClinVar variation 2938425 (VCV002938425.4), dbSNP rs1318017328, ClinGen allele CA598865165.

ClinVar aggregate classification (germline): Pathogenic/Likely pathogenic. Review status: criteria provided, multiple submitters, no conflicts (2 of 4 stars). 2 submissions from 2 submitters: Pathogenic (1); Likely pathogenic (1). Last evaluated 2024-01-19.

Conditions:
Severe combined immunodeficiency, autosomal recessive, T cell-negative, B cell-negative, NK cell-positive. Also called: SCID, AR, T-cell negative, B-cell negative, NK cell-positive; SCID, T CELL-NEGATIVE, B CELL-NEGATIVE, NK CELL-POSITIVE; Severe combined immunodeficiency due to complete RAG1/2 deficiency. Identifiers: Orphanet 331206, MedGen C1832322, MONDO:0011086, OMIM 601457.
Combined immunodeficiency with skin granulomas. Identifiers: Orphanet 157949, MedGen C2673536, MONDO:0009306, OMIM 233650.

Submissions (2):

Revvity Omics, Revvity
Classification: Likely pathogenic. Last evaluated: 2024-01-19. Review status: criteria provided, single submitter. Criteria: ACMG Guidelines, 2015. Collection method: clinical testing. Allele origin: germline.

Labcorp Genetics (formerly Invitae), Labcorp
Classification: Pathogenic for Combined immunodeficiency with skin granulomas; Severe combined immunodeficiency, autosomal recessive, T cell-negative, B cell-negative, NK cell-positive. Last evaluated: 2023-07-19. Review status: criteria provided, single submitter. Criteria: Invitae Variant Classification Sherloc (09022015). Collection method: clinical testing. Allele origin: germline.
Comment: This sequence change creates a premature translational stop signal (p.Asn743Ilefs*7) in the RAG1 gene. While this is not anticipated to result in nonsense mediated decay, it is expected to disrupt the last 301 amino acid(s) of the RAG1 protein. This variant is present in population databases (no rsID available, gnomAD 0.006%). This variant has not been reported in the literature in individuals affected with RAG1-related conditions. This variant disrupts a region of the RAG1 protein in which other variant(s) (p.R959*) have been determined to be pathogenic (PMID: 11133745, 24290284, 24406074). This suggests that this is a clinically significant region of the protein, and that variants that disrupt it are likely to be disease-causing. For these reasons, this variant has been classified as Pathogenic.

Literature cited by the submitters: PubMed 11133745 (cited by Labcorp Genetics (formerly Invitae), Labcorp); PubMed 24290284 (cited by Labcorp Genetics (formerly Invitae), Labcorp); PubMed 24406074 (cited by Labcorp Genetics (formerly Invitae), Labcorp).